The following is an entry in ClinVar:

NM_017534.6(MYH2):c.5564A>G (p.Glu1855Gly)

Genes: MYH2 (myosin heavy chain 2; minus strand), MYHAS (myosin heavy chain gene cluster antisense RNA; plus strand). Cytogenetic location: 17p13.1.
Variant type: single nucleotide variant.
Coding change: c.5564A>G on transcript NM_017534.6 (MANE Select); coding-DNA position 5564, A replaced by G.
Protein change: p.Glu1855Gly; replaces glutamic acid 1855 with glycine.
Molecular consequence: missense variant.
Genome position (GRCh38, 1-based): chr17:10,523,321, T>C on the plus strand (A>G on the coding strand, the complement: MYH2 is on the minus strand). VCF-style: chr17-10523321-T-C. GRCh37 (hg19) VCF-style: chr17-10426638-T-C.
Other names: c.5564A>G, p.Glu1855Gly (NM_001100112.2); short protein forms E1855G.
Identifiers: ClinVar variation 465947 (VCV000465947.8), dbSNP rs200726747, ClinGen allele CA287734691.

ClinVar aggregate classification (germline): Uncertain significance. Review status: criteria provided, multiple submitters, no conflicts (2 of 4 stars). 2 submissions from 2 submitters: Uncertain significance (2). Last evaluated 2026-07-08.

Conditions:
Myopathy, proximal, and ophthalmoplegia (CMYO6). Also called: INCLUSION BODY MYOPATHY 3, AUTOSOMAL DOMINANT; MYOPATHY WITH CONGENITAL JOINT CONTRACTURES, OPHTHALMOPLEGIA, AND RIMMED VACUOLES; CONGENITAL MYOPATHY 6 WITH OPHTHALMOPLEGIA. Identifiers: Orphanet 363677, Orphanet 79091, MedGen C1854106, MONDO:0011577, OMIM 605637.
Inborn genetic diseases. Identifiers: MedGen C0950123, MeSH D030342.

Allele frequency attached by ClinVar (database versions not stated): gnomAD 0.00001; TOPMed 0.00001; gnomAD exomes below 0.00001.
gnomAD v4.1: 6 of 1,614,114 alleles (0.00037%); highest among the groups gnomAD compares: Non-Finnish European, 0.00051%; no homozygotes.

Submissions (2):

Ambry Genetics
Classification: Uncertain significance for Inborn genetic diseases. Last evaluated: 2026-07-08. Review status: criteria provided, single submitter. Criteria: Ambry Variant Classification Scheme 2023. Collection method: clinical testing. Allele origin: germline.

Labcorp Genetics (formerly Invitae), Labcorp
Classification: Uncertain significance for Myopathy, proximal, and ophthalmoplegia. Last evaluated: 2022-08-16. Review status: criteria provided, single submitter. Criteria: Invitae Variant Classification Sherloc (09022015). Collection method: clinical testing. Allele origin: germline.
Comment: Algorithms developed to predict the effect of missense changes on protein structure and function (SIFT, PolyPhen-2, Align-GVGD) all suggest that this variant is likely to be disruptive. ClinVar contains an entry for this variant (Variation ID: 465947). This variant has not been reported in the literature in individuals affected with MYH2-related conditions. In summary, the available evidence is currently insufficient to determine the role of this variant in disease. Therefore, it has been classified as a Variant of Uncertain Significance. This sequence change replaces glutamic acid, which is acidic and polar, with glycine, which is neutral and non-polar, at codon 1855 of the MYH2 protein (p.Glu1855Gly). This variant is present in population databases (rs200726747, gnomAD 0.007%).